The following is an entry in ClinVar:

NM_000883.4(IMPDH1):c.235G>A (p.Asp79Asn)

Gene: IMPDH1 (inosine monophosphate dehydrogenase 1; minus strand). Cytogenetic location: 7q32.1.
Variant type: single nucleotide variant.
Coding change: c.235G>A on transcript NM_000883.4 (MANE Select); coding-DNA position 235, G replaced by A.
Protein change: p.Asp79Asn; replaces aspartic acid 79 with asparagine.
Molecular consequence: missense variant. On other transcripts: intron variant (2).
Genome position (GRCh38, 1-based): chr7:128,409,308, C>T on the plus strand (G>A on the coding strand, the complement: IMPDH1 is on the minus strand). VCF-style: chr7-128409308-C-T. GRCh37 (hg19) VCF-style: chr7-128049362-C-T.
Other names: c.205G>A, p.Asp69Asn (NM_001102605.2); c.235G>A, p.Asp79Asn (NM_001142576.2); c.146+448G>A (NM_001304521.2, NM_183243.3); short protein forms D69N, D79N.
Identifiers: ClinVar variation 1040714 (VCV001040714.9), dbSNP rs1016744642, ClinGen allele CA166137279.
Genomic context (GRCh38, chr7:128,409,308, plus strand): 5'-TCAGATCTCAGTGCATGGTGAGGAGGGGAGAGTGTCCTCACCTAGCCCTGCGAAGGCGAT[C>T]CATCTGGACACCAACACCTGCCAGTAAGACCACTGAAGATAGTTCTAGGAGGAAACAGCT-3'
Protein context (NP_000874.2, residues 69-89): VLLAGVGVQM[Asp79Asn]RLRRASMADY

ClinVar aggregate classification (germline): Uncertain significance. Review status: criteria provided, multiple submitters, no conflicts (2 of 4 stars). 2 submissions from 2 submitters: Uncertain significance (2). Last evaluated 2024-08-14.

Allele frequency attached by ClinVar (database versions not stated): gnomAD 0.00001 and 0.00002; gnomAD exomes 0.00001; TOPMed 0.00002.
gnomAD v4.1: 29 of 1,614,006 alleles (0.0018%); highest among the groups gnomAD compares: Non-Finnish European, 0.0024%; no homozygotes.

Submissions (2):

Blueprint Genetics
Classification: Uncertain significance. Last evaluated: 2024-08-14. Review status: criteria provided, single submitter. Criteria: ACMG Guidelines, 2015. Collection method: clinical testing. Allele origin: germline.

Labcorp Genetics (formerly Invitae), Labcorp
Classification: Uncertain significance. Last evaluated: 2021-02-19. Review status: criteria provided, single submitter. Criteria: Invitae Variant Classification Sherloc (09022015). Collection method: clinical testing. Allele origin: germline.
Comment: In summary, the available evidence is currently insufficient to determine the role of this variant in disease. Therefore, it has been classified as a Variant of Uncertain Significance. Algorithms developed to predict the effect of missense changes on protein structure and function are either unavailable or do not agree on the potential impact of this missense change (SIFT: "Deleterious"; PolyPhen-2: "Benign"; Align-GVGD: "Class C0"). This variant has not been reported in the literature in individuals with IMPDH1-related conditions. This variant is not present in population databases (ExAC no frequency). This sequence change replaces aspartic acid with asparagine at codon 79 of the IMPDH1 protein (p.Asp79Asn). The aspartic acid residue is weakly conserved and there is a small physicochemical difference between aspartic acid and asparagine.